The following is an entry in ClinVar:

ClinVar aggregate classification (germline): Uncertain significance (1 of 4 stars; one submission).

gnomAD v4.1: 2 of 1,614,098 alleles (0.00012%); highest among the groups gnomAD compares: Non-Finnish European, 0.00017%; no homozygotes.

Submission:

Ambry Genetics
Classification: Uncertain significance. Last evaluated: 2024-12-19. Review status: criteria provided, single submitter. Criteria: Ambry Variant Classification Scheme 2023. Collection method: clinical testing. Allele origin: germline.
Comment: The p.F785Y variant (also known as c.2354T>A), located in coding exon 1 of the TET2 gene, results from a T to A substitution at nucleotide position 2354. The phenylalanine at codon 785 is replaced by tyrosine, an amino acid with highly similar properties. This amino acid position is conserved. In addition, this alteration is predicted to be tolerated by in silico analysis. Based on the available evidence, the clinical significance of this variant remains unclear.

NM_001127208.3(TET2):c.2354T>A (p.Phe785Tyr)

Genes: TET2 (tet methylcytosine dioxygenase 2; plus strand), TET2-AS1 (TET2 antisense RNA 1; minus strand). Cytogenetic location: 4q24.
Variant type: single nucleotide variant.
Coding change: c.2354T>A on transcript NM_001127208.3 (MANE Select); coding-DNA position 2354, T replaced by A.
Protein change: p.Phe785Tyr; replaces phenylalanine 785 with tyrosine.
Molecular consequence: missense variant.
Genome position (GRCh38, 1-based): chr4:105,236,296, T>A. VCF-style: chr4-105236296-T-A. GRCh37 (hg19) VCF-style: chr4-106157453-T-A.
Other names: c.2354T>A, p.Phe785Tyr (NM_017628.4); short protein forms F785Y.
Identifiers: ClinVar variation 3805876 (VCV003805876.1).
Genomic context (GRCh38, chr4:105,236,296, plus strand): 5'-GCAACAATGATCAGCAAAGAGAAGGATCATTCTTTGGCCAGACTAAAGTGGAAGAATGTT[T>A]TCATGGTGAAAATCAGTATTCAAAATCAAGCGAGTTCGAGACTCATAATGTCCAAATGGG-3'
Protein context (NP_001120680.1, residues 775-795): FFGQTKVEEC[Phe785Tyr]HGENQYSKSS